The following is an entry in ClinVar:

ClinVar aggregate classification (germline): Pathogenic. Review status: criteria provided, single submitter (1 of 4 stars). 2 submissions from 2 submitters: Pathogenic (1). 1 of the submissions does not count toward it. Last evaluated 2022-07-07.

Conditions:
SH3PXD2B-related disorder. Also called: SH3PXD2B-related condition.

Submissions (2):

Labcorp Genetics (formerly Invitae), Labcorp
Classification: Pathogenic. Last evaluated: 2022-07-07. Review status: criteria provided, single submitter. Criteria: Invitae Variant Classification Sherloc (09022015). Collection method: clinical testing. Allele origin: germline.
Comment: This sequence change creates a premature translational stop signal (p.Tyr111Thrfs*19) in the SH3PXD2B gene. It is expected to result in an absent or disrupted protein product. Loss-of-function variants in SH3PXD2B are known to be pathogenic (PMID: 20137777). For these reasons, this variant has been classified as Pathogenic. This variant has not been reported in the literature in individuals affected with SH3PXD2B-related conditions. The frequency data for this variant in the population databases is considered unreliable, as metrics indicate poor data quality at this position in the gnomAD database.

PreventionGenetics, part of Exact Sciences
Classification: Pathogenic for SH3PXD2B-related condition. Last evaluated: 2024-02-21. Review status: no assertion criteria provided. Collection method: clinical testing. Allele origin: germline. Not counted in ClinVar's aggregate classification.
Comment: The SH3PXD2B c.330delC variant is predicted to result in a frameshift and premature protein termination (p.Pro110Profs*20). To our knowledge, this variant has not been reported in the literature. This variant is reported in 0.0060% of alleles in individuals of Latino descent in gnomAD. Frameshift variants in SH3PXD2B are expected to be pathogenic. This variant is interpreted as pathogenic.

Literature cited by the submitters: PubMed 20137777 (cited by Labcorp Genetics (formerly Invitae), Labcorp).

NM_001017995.3(SH3PXD2B):c.330del (p.Tyr111fs)

Gene: SH3PXD2B (SH3 and PX domains 2B; minus strand). Cytogenetic location: 5q35.1.
Variant type: Deletion.
Coding change: c.330del on transcript NM_001017995.3 (MANE Select); coding-DNA position 330, one base deleted (C; older notation c.330delC).
Protein change: p.Tyr111fs; shifts the reading frame from tyrosine 111.
Molecular consequence: frameshift variant.
Genome position (GRCh38, 1-based): chr5:172,382,107, G deleted on the plus strand (C on the coding strand, the reverse complement: SH3PXD2B is on the minus strand); the first of 6 consecutive G bases (chr5:172,382,107-172,382,112); deleting any one gives the same sequence. VCF-style (leftmost placement, unchanged base first): chr5-172382106-AG-A. GRCh37 (hg19) VCF-style: chr5-171809110-AG-A.
Other names: c.330del, p.Tyr111fs (NM_001308175.2); c.330delC (NM_001017995.2); short protein forms Y111fs.
Identifiers: ClinVar variation 2110079 (VCV002110079.6), dbSNP rs753161047, ClinGen allele CA3561589.
Genomic context (GRCh38, chr5:172,382,106, plus strand): 5'-GATTCAGGTCCTCAGGTCTTGTCTCAAAGAACTGCAGCACCTCATCACACTGAGAGATGT[AG>A]GGGGGCAGCTGGATGAGGGCCTGGAGAAGAGAGACGCAGGTGAGTGCAAAGGAGGAGAGG-3'